The following is an entry in ClinVar:

NM_007294.4(BRCA1):c.2800C>T (p.Gln934Ter)

Gene: BRCA1 (BRCA1 DNA repair associated; minus strand). Cytogenetic location: 17q21.31.
Variant type: single nucleotide variant.
Coding change: c.2800C>T on transcript NM_007294.4 (MANE Select); coding-DNA position 2800, C replaced by T.
Protein change: p.Gln934Ter; replaces glutamine 934 with a stop codon.
Molecular consequence: nonsense. On other transcripts: intron variant (137).
Genome position (GRCh38, 1-based): chr17:43,092,731, G>A on the plus strand (C>T on the coding strand, the complement: BRCA1 is on the minus strand). VCF-style: chr17-43092731-G-A. GRCh37 (hg19) VCF-style: chr17-41244748-G-A.
Other names: 2919C>T; c.668-1699C>T (NM_001408431.1, NM_001408424.1, NM_001408421.1); c.785-1699C>T (NM_001408407.1, NM_001408402.1, NM_001408473.1 and 13 more transcripts); c.665-1699C>T (NM_001408443.1, NM_001408439.1, NM_001408425.1 and 12 more transcripts); c.671-1699C>T (NM_001408419.1, NM_001408422.1, NM_001408418.1 and 2 more transcripts); c.788-1699C>T (NM_001408403.1, NM_001407983.1, NM_001407975.1 and 17 more transcripts); c.791-1708C>T (NM_001408406.1); c.647-1699C>T (NM_001408456.1, NM_001408410.1, NM_001408458.1 and 11 more transcripts); and 42 more; short protein forms Q934*, Q887*, Q807*, Q822*, Q864*, Q867*, Q907*, Q638*.
Identifiers: ClinVar variation 54683 (VCV000054683.32), dbSNP rs80357223, ClinGen allele CA001836.

ClinVar aggregate classification (germline): Pathogenic. Review status: reviewed by expert panel (3 of 4 stars). 21 submissions from 21 submitters: Pathogenic (1). 20 of the submissions do not count toward it. Last evaluated 2016-04-22.

Conditions:
Hereditary cancer-predisposing syndrome. Also called: Tumor predisposition; Neoplastic Syndromes, Hereditary; Hereditary Cancer Syndrome; Hereditary neoplastic syndrome. Identifiers: Orphanet 140162, MedGen C0027672, MeSH D009386, MONDO:0015356.
Hereditary breast ovarian cancer syndrome. Also called: Hereditary breast and ovarian cancer syndrome (HBOC); Hereditary breast and ovarian cancer syndrome; Hereditary breast and ovarian cancer; Hereditary breast and/or ovarian cancer syndrome; Breast and ovarian cancer; BRCA1- and BRCA2-Associated Hereditary Breast and Ovarian Cancer. Identifiers: Orphanet 145, MedGen C0677776, MeSH D061325, MONDO:0003582. Disease mechanism: loss of function.
Malignant tumor of urinary bladder. Also called: Bladder cancer; Urinary bladder cancer; Urinary Bladder Neoplasms. Identifiers: MedGen C0005684, MONDO:0001187, OMIM 109800.
Breast-ovarian cancer, familial, susceptibility to, 1 (BROVCA1). Also called: OVARIAN CANCER, SUSCEPTIBILITY TO; BRCA1 Hereditary Breast and Ovarian Cancer. Identifiers: Orphanet 145, MedGen C2676676, MONDO:0011450, OMIM 604370. Disease mechanism: loss of function.
Ovarian carcinoma. Identifiers: MedGen C4721610, MONDO:0005140, HP:0025318.
Malignant tumor of breast. Also called: Malignant breast neoplasm; Cancer breast. Identifiers: MedGen C0006142, MONDO:0007254. Disease mechanism: loss of function.

Allele frequency attached by ClinVar (database versions not stated): gnomAD exomes below 0.00001.
gnomAD v4.1: 2 of 1,614,024 alleles (0.00012%); highest among the groups gnomAD compares: East Asian, 0.0045%; no homozygotes.

Submissions 1 to 11 of 21:

Evidence-based Network for the Interpretation of Germline Mutant Alleles (ENIGMA)
Classification: Pathogenic for Breast-ovarian cancer, familial, susceptibility to, 1. Last evaluated: 2016-04-22. Review status: reviewed by expert panel. Criteria: ENIGMA BRCA1/2 Classification Criteria (2015). Collection method: curation. Allele origin: germline.
Comment: Variant allele predicted to encode a truncated non-functional protein.

Labcorp Genetics (formerly Invitae), Labcorp
Classification: Pathogenic for Hereditary breast ovarian cancer syndrome. Last evaluated: 2026-01-31. Review status: criteria provided, single submitter. Criteria: Invitae Variant Classification Sherloc (09022015). Collection method: clinical testing. Allele origin: germline. Not counted in ClinVar's aggregate classification.
Comment: This sequence change creates a premature translational stop signal (p.Gln934*) in the BRCA1 gene. It is expected to result in an absent or disrupted protein product. Loss-of-function variants in BRCA1 are known to be pathogenic (PMID: 20104584). This variant is not present in population databases (gnomAD no frequency). This premature translational stop signal has been observed in individual(s) with breast cancer and/or ovarian cancer (PMID: 10804288, 11149425, 11595708, 18159056, 19016756, 25802882). It is commonly reported in individuals of Japanese ancestry (PMID: 10804288, 11149425, 11595708, 18159056, 19016756, 25802882). This variant is also known as 2919C>T. ClinVar contains an entry for this variant (Variation ID: 54683). For these reasons, this variant has been classified as Pathogenic.

Dasa
Classification: Pathogenic for Breast-ovarian cancer, familial, susceptibility to, 1. Last evaluated: 2025-03-17. Review status: criteria provided, single submitter. Criteria: DASA Assertion Criteria. Collection method: clinical testing. Allele origin: germline. Not counted in ClinVar's aggregate classification.
Comment: NM_007294.4(BRCA1):c.2800C>T (p.Gln934*) introduces a premature termination codon predicted to result in loss of normal protein function. Loss-of-function is an established mechanism of disease for this gene. The affected residue or protein region has prior evidence supporting clinical relevance. The variant is present at low frequency in population datasets. Based on the available data, this variant is classified as pathogenic.

Baylor Genetics
Classification: Pathogenic for Breast-ovarian cancer, familial, susceptibility to, 1. Last evaluated: 2023-12-01. Review status: criteria provided, single submitter. Criteria: ACMG Guidelines, 2015. Collection method: clinical testing. Allele origin: unknown. Not counted in ClinVar's aggregate classification.

Ambry Genetics
Classification: Pathogenic for Hereditary cancer-predisposing syndrome. Last evaluated: 2022-05-16. Review status: criteria provided, single submitter. Criteria: Ambry Variant Classification Scheme 2023. Collection method: clinical testing. Allele origin: germline. Not counted in ClinVar's aggregate classification.
Comment: The p.Q934* pathogenic mutation (also known as c.2800C>T), located in coding exon 9 of the BRCA1 gene, results from a C to T substitution at nucleotide position 2800. This changes the amino acid from a glutamine to a stop codon within coding exon 9. This mutation has been described in multiple individuals and families with personal and/or family history consistent with hereditary breast and ovarian cancer syndrome (Ikeda N et al. Int. J. Cancer, 2001 Jan;91:83-8; Sekine M et al. Clin. Cancer Res., 2001 Oct;7:3144-50; John EM et al. JAMA, 2007 Dec;298:2869-76; Sugano K et al. Cancer Sci., 2008 Oct;99:1967-76; Hirotsu Y et al. Mol Genet Genomic Med, 2015 Mar;3:121-9; Hirasawa A et al. Oncotarget. 2017 Dec;8(68):112258-112267; Rebbeck TR et al. Hum. Mutat. 2018 05;39(5):593-620). This alteration has been described as a Japanese founder mutation (Sekine M et al. Clin. Cancer Res., 2001 Oct;7:3144-50; Karami F et al. Biomed Res Int, 2013 Nov;2013:928562). Of note, this alteration is also designated as 2919C>T in published literature. This variant is considered to be rare based on population cohorts in the Genome Aggregation Database (gnomAD). In addition to the clinical data presented in the literature, this alteration is expected to result in loss of function by premature protein truncation or nonsense-mediated mRNA decay. As such, this alteration is interpreted as a disease-causing mutation.

Research Institute, Aichi Cancer Center
Classification: Pathogenic for Hereditary breast ovarian cancer syndrome. Last evaluated: 2022-02-01. Review status: criteria provided, single submitter. Criteria: ACMG Guidelines, 2015. Collection method: research. Allele origin: germline. Affected: yes. Observed: 1 variant allele. Not counted in ClinVar's aggregate classification.

Women's Health and Genetics/Laboratory Corporation of America, LabCorp
Classification: Pathogenic for Hereditary breast and ovarian cancer syndrome. Last evaluated: 2020-12-15. Review status: criteria provided, single submitter. Criteria: LabCorp Variant Classification Summary - May 2015. Collection method: clinical testing. Allele origin: germline. Not counted in ClinVar's aggregate classification.
Comment: Variant summary: BRCA1 c.2800C>T (p.Gln934X) results in a premature termination codon, predicted to cause a truncation of the encoded protein or absence of the protein due to nonsense mediated decay, which are commonly known mechanisms for disease. The variant was absent in 251150 control chromosomes (gnomAD). c.2800C>T has been reported in the literature in multiple individuals affected with Hereditary Breast and Ovarian Cancer (e.g. Rebbeck_2018) mainly occurring in the Japanese population, where it appeared to be a founder mutation (Sekine_2001). These data indicate that the variant is very likely to be associated with disease. Nine other ClinVar submitters (evaluation after 2014) including an expert panel (ENIGMA) cite the variant as pathogenic. Based on the evidence outlined above, the variant was classified as pathogenic.

Color Diagnostics, LLC DBA Color Health
Classification: Pathogenic for Hereditary cancer-predisposing syndrome. Last evaluated: 2020-01-15. Review status: criteria provided, single submitter. Criteria: ACMG Guidelines, 2015. Collection method: clinical testing. Allele origin: germline. Not counted in ClinVar's aggregate classification.
Comment: This variant changes 1 nucleotide in exon 10 of the BRCA1 gene, creating a premature translation stop signal. This variant is expected to result in an absent or non-functional protein product. This variant has not been identified in the general population by the Genome Aggregation Database (gnomAD). Loss of BRCA1 function is a known mechanism of disease. Based on the available evidence, this variant is classified as Pathogenic.

Clinical Genetics and Genomics, Karolinska University Hospital
Classification: Pathogenic. Last evaluated: 2019-03-18. Review status: criteria provided, single submitter. Criteria: ACMG Guidelines, 2015. Collection method: clinical testing. Allele origin: germline. Affected: yes. Observed: 1 variant allele. Not counted in ClinVar's aggregate classification.

Mendelics
Classification: Pathogenic for Hereditary breast and ovarian cancer syndrome. Last evaluated: 2018-07-02. Review status: criteria provided, single submitter. Criteria: Mendelics Assertion Criteria 2017. Collection method: clinical testing. Allele origin: unknown. Not counted in ClinVar's aggregate classification.

GeneDx
Classification: Pathogenic. Last evaluated: 2016-09-22. Review status: criteria provided, single submitter. Criteria: GeneDx Variant Classification (06012015). Collection method: clinical testing. Allele origin: germline. Affected: yes. Not counted in ClinVar's aggregate classification.
Comment: This variant is denoted BRCA1 c.2800C>T at the cDNA level and p.Gln934Ter (Q934X) at the protein level. The substitution creates a nonsense variant, which changes a Glutamine to a premature stop codon (CAG>TAG), and is predicted to cause loss of normal protein function through either protein truncation or nonsense-mediated mRNA decay. This variant, also known as BRCA1 2919C>T using alternate nomenclature, has been published as a Japanese pathogenic founder variant and has been observed in several breast and/or ovarian cancer families (Kashima 2000, Sekine 2001, Sugano 2008, Hirotsu 2015, Sakamoto 2016). We consider it to be pathogenic.